The following is an entry in ClinVar:

ClinVar aggregate classification (germline): Uncertain significance (1 of 4 stars; one submission).

Allele frequency attached by ClinVar (database versions not stated): gnomAD exomes below 0.00001; TOPMed 0.00001.

Submission:

Labcorp Genetics (formerly Invitae), Labcorp
Classification: Uncertain significance. Last evaluated: 2022-05-10. Review status: criteria provided, single submitter. Criteria: Invitae Variant Classification Sherloc (09022015). Collection method: clinical testing. Allele origin: germline.
Comment: In summary, the available evidence is currently insufficient to determine the role of this variant in disease. Therefore, it has been classified as a Variant of Uncertain Significance. Algorithms developed to predict the effect of sequence changes on RNA splicing suggest that this variant may disrupt the consensus splice site. Experimental studies and prediction algorithms are not available or were not evaluated, and the functional significance of this variant is currently unknown. This variant has not been reported in the literature in individuals affected with EXOSC9-related conditions. This variant is not present in population databases (gnomAD no frequency). This variant, c.1334_1354del, is a complex sequence change that results in the deletion of 8 and insertion of 1 amino acid(s) in the EXOSC9 protein (p.Pro445_Lys452delinsGln).

NM_005033.3(EXOSC9):c.1283_1303del (p.Pro428_Lys435delinsGln)

Genes: CCNA2 (cyclin A2; minus strand), EXOSC9 (exosome component 9; plus strand). Cytogenetic location: 4q27.
Variant type: Deletion.
Coding change: c.1283_1303del on transcript NM_005033.3 (MANE Select); coding-DNA positions 1283 to 1303, 21 bases deleted (CAGTGAAAAGAAGAAAAAAGA).
Protein change: p.Pro428_Lys435delinsGln.
Molecular consequence: inframe indel. On other transcripts: 3 prime UTR variant (1).
Genome position (GRCh38, 1-based): chr4:121,816,819-121,816,839, CAGTGAAAAGAAGAAAAAAGA deleted. VCF-style (leftmost placement, unchanged base first): chr4-121816818-CCAGTGAAAAGAAGAAAAAAGA-C. GRCh37 (hg19) VCF-style: chr4-122737973-CCAGTGAAAAGAAGAAAAAAGA-C.
Other names: c.1334_1354del, p.Pro445_Lys452delinsGln (NM_001034194.2); c.*799_*819del (NM_001237.5).
Identifiers: ClinVar variation 1943888 (VCV001943888.5), dbSNP rs1413221592, ClinGen allele CA786355822.
Genomic context (GRCh38, chr4:121,816,818, plus strand): 5'-TGCTTTATTCACAGAACACAGACCACCAGTGCAAAACAAGAAAAAGCACCAAGTAAAAAG[CCAGTGAAAAGAAGAAAAAAGA>C]AGAGAGCTGCCAATTAAAGCTAACAGTTGTATATCTGTATATATAACTATTAAAAGGGAT-3'